The following is an entry in ClinVar:

NM_007293.3(C4A):c.3453T>G (p.His1151Gln)

Gene: C4A (complement C4A (Chido/Rodgers blood group); plus strand). Cytogenetic location: 6p21.33.
Variant type: single nucleotide variant.
Coding change: c.3453T>G on transcript NM_007293.3 (MANE Select); coding-DNA position 3453, T replaced by G.
Protein change: p.His1151Gln; replaces histidine 1151 with glutamine.
Molecular consequence: missense variant.
Genome position (GRCh38, 1-based): chr6:31,996,272, T>G. VCF-style: chr6-31996272-T-G. GRCh37 (hg19) VCF-style: chr6-31964049-T-G.
Other names: c.3453T>G, p.His1151Gln (NM_001252204.2); short protein forms H1151Q.
Identifiers: ClinVar variation 1034372 (VCV001034372.1), dbSNP rs1348499408, ClinGen allele CA363542141.

ClinVar aggregate classification (germline): Uncertain significance (1 of 4 stars; one submission).

Conditions:
Complement component 4a deficiency. Also called: C4a deficiency. Identifiers: MedGen C3280642, MONDO:0013721, OMIM 614380.

Allele frequency attached by ClinVar (database versions not stated): gnomAD exomes below 0.00001; TOPMed 0.00001.
gnomAD v4.1: 1 of 1,569,024 alleles (0.000064%); highest among the groups gnomAD compares: Admixed American, 0.0017%; no homozygotes.

Submission:

Baylor Genetics
Classification: Uncertain significance for Complement component 4a deficiency. Last evaluated: 2018-09-10. Review status: criteria provided, single submitter. Criteria: ACMG Guidelines, 2015. Collection method: clinical testing. Allele origin: paternal. Affected: yes.
Comment: This variant was determined to be of uncertain significance according to ACMG Guidelines, 2015 [PMID:25741868].